The following is an entry in ClinVar:

NM_000093.5(COL5A1):c.3115-67G>A

Gene: COL5A1 (collagen type V alpha 1 chain; plus strand). Cytogenetic location: 9q34.3.
Variant type: single nucleotide variant.
Coding change: c.3115-67G>A on transcript NM_000093.5 (MANE Select); 67 bases into the intron before coding-DNA position 3115, G replaced by A.
Molecular consequence: intron variant.
Genome position (GRCh38, 1-based): chr9:134,804,908, G>A. VCF-style: chr9-134804908-G-A. GRCh37 (hg19) VCF-style: chr9-137696754-G-A.
Other names: c.3115-67G>A (NM_001278074.1).
Identifiers: ClinVar variation 673416 (VCV000673416.2), dbSNP rs114607788, ClinGen allele CA201080285.

ClinVar aggregate classification (germline): Likely benign. Review status: criteria provided, multiple submitters, no conflicts (2 of 4 stars). 2 submissions from 2 submitters: Likely benign (2). Last evaluated 2018-06-20.

Allele frequency attached by ClinVar (database versions not stated): 1000 Genomes Project 0.00439; gnomAD 0.00462 and 0.00498; 1000 Genomes Project 30x 0.00500; TOPMed 0.00568.
gnomAD v4.1: 2,146 of 1,392,680 alleles (0.15%); highest among the groups gnomAD compares: African/African-American, 1.3%; 13 homozygotes.

Submissions (2):

GeneDx
Classification: Likely benign. Last evaluated: 2018-06-20. Review status: criteria provided, single submitter. Criteria: GeneDx Variant Classification (06012015). Collection method: clinical testing. Allele origin: germline. Affected: yes.
Comment: This variant is considered likely benign or benign based on one or more of the following criteria: it is a conservative change, it occurs at a poorly conserved position in the protein, it is predicted to be benign by multiple in silico algorithms, and/or has population frequency not consistent with disease.

Breakthrough Genomics
Classification: Likely benign. Review status: criteria provided, single submitter. Criteria: ACMG Guidelines, 2015. Collection method: not provided. Allele origin: germline. Inheritance: Autosomal dominant inheritance. Affected: yes.